The following is an entry in ClinVar:

NM_001876.4(CPT1A):c.1093dup (p.Arg365fs)

Gene: CPT1A (carnitine palmitoyltransferase 1A; minus strand). Cytogenetic location: 11q13.3.
Variant type: Duplication.
Coding change: c.1093dup on transcript NM_001876.4 (MANE Select); coding-DNA position 1093, one base duplicated (A; older notation c.1093dupA).
Protein change: p.Arg365fs; shifts the reading frame from arginine 365.
Molecular consequence: frameshift variant.
Genome position (GRCh38, 1-based): chr11:68,784,885, T duplicated on the plus strand (A on the coding strand, the reverse complement: CPT1A is on the minus strand). VCF-style (leftmost placement, unchanged base first): chr11-68784884-C-CT. GRCh37 (hg19) VCF-style: chr11-68552352-C-CT.
Other names: c.1093dup, p.Arg365fs (NM_001031847.3); short protein forms R365fs.
Identifiers: ClinVar variation 2733732 (VCV002733732.3), dbSNP rs2495587613, ClinGen allele CA2697548766.

ClinVar aggregate classification (germline): Pathogenic (1 of 4 stars; one submission).

Conditions:
Carnitine palmitoyl transferase 1A deficiency. Also called: CPT I DEFICIENCY; CPT DEFICIENCY, HEPATIC, TYPE I; Carnitine palmitoyltransferase type I deficiency; Carnitine palmitoyltransferase 1A deficiency; CPT deficiency, hepatic, type IA. Identifiers: Orphanet 156, MedGen C1829703, MONDO:0009705, OMIM 255120.

Submission:

Labcorp Genetics (formerly Invitae), Labcorp
Classification: Pathogenic for Carnitine palmitoyl transferase 1A deficiency. Last evaluated: 2023-06-30. Review status: criteria provided, single submitter. Criteria: Invitae Variant Classification Sherloc (09022015). Collection method: clinical testing. Allele origin: germline.
Comment: For these reasons, this variant has been classified as Pathogenic. This variant has not been reported in the literature in individuals affected with CPT1A-related conditions. This variant is not present in population databases (gnomAD no frequency). This sequence change creates a premature translational stop signal (p.Arg365Lysfs*41) in the CPT1A gene. It is expected to result in an absent or disrupted protein product. Loss-of-function variants in CPT1A are known to be pathogenic (PMID: 16169268).

Literature cited by the submitters: PubMed 16169268.